The following is an entry in ClinVar:

NM_172107.4(KCNQ2):c.1792G>A (p.Ala598Thr)

Gene: KCNQ2 (potassium voltage-gated channel subfamily Q member 2; minus strand). Cytogenetic location: 20q13.33.
Variant type: single nucleotide variant.
Coding change: c.1792G>A on transcript NM_172107.4 (MANE Select); coding-DNA position 1792, G replaced by A.
Protein change: p.Ala598Thr; replaces alanine 598 with threonine.
Molecular consequence: missense variant.
Genome position (GRCh38, 1-based): chr20:63,408,508, C>T on the plus strand (G>A on the coding strand, the complement: KCNQ2 is on the minus strand). VCF-style: chr20-63408508-C-T. GRCh37 (hg19) VCF-style: chr20-62039861-C-T.
Other names: c.1846G>A, p.Ala616Thr (NM_001382235.1); c.1735G>A, p.Ala579Thr (NM_001439003.1); c.1705G>A, p.Ala569Thr (NM_001439004.1); c.1708G>A, p.Ala570Thr (NM_004518.6); c.1738G>A, p.Ala580Thr (NM_172106.3); c.1699G>A, p.Ala567Thr (NM_172108.5); short protein forms A567T, A569T, A570T, A579T, A580T, A598T, A616T.
Identifiers: ClinVar variation 4077245 (VCV004077245.2).
Genomic context (GRCh38, chr20:63,408,508, plus strand): 5'-TGGGGTCCTCGGGCAGCTCCGCCTCGGCCGGGCCCTTGGTGCGGTCCTTGTCCGTGATCG[C>T]TGGGCCCCGCCCCACGATCTGGTCCACTCTACCGGGAACAGAGACCCCAAAGCATGAGTT-3'
Protein context (NP_742105.1, residues 588-608): RVDQIVGRGP[Ala598Thr]ITDKDRTKGP

ClinVar aggregate classification (germline): Uncertain significance (1 of 4 stars; one submission).

gnomAD v4.1: 3 of 1,610,074 alleles (0.00019%); highest among the groups gnomAD compares: South Asian, 0.0011%; no homozygotes.

Submission:

GeneDx
Classification: Uncertain significance. Last evaluated: 2026-05-08. Review status: criteria provided, single submitter. Criteria: GeneDx Variant Classification Process June 2021. Collection method: clinical testing. Allele origin: germline.
Comment: In silico analysis suggests that this missense variant does not alter protein structure/function; This substitution is predicted to be within the C-terminal cytoplasmic domain; Has not been previously published as pathogenic or benign to our knowledge